The following is an entry in ClinVar:

NM_014989.7(RIMS1):c.4049T>C (p.Ile1350Thr)

Gene: RIMS1 (regulating synaptic membrane exocytosis 1; plus strand). Cytogenetic location: 6q13.
Variant type: single nucleotide variant.
Coding change: c.4049T>C on transcript NM_014989.7 (MANE Select); coding-DNA position 4049, T replaced by C.
Protein change: p.Ile1350Thr; replaces isoleucine 1350 with threonine.
Molecular consequence: missense variant. On other transcripts: intron variant (24).
Genome position (GRCh38, 1-based): chr6:72,313,591, T>C. VCF-style: chr6-72313591-T-C. GRCh37 (hg19) VCF-style: chr6-73023294-T-C.
Other names: c.2009T>C, p.Ile670Thr (NM_001168407.2); c.1970T>C, p.Ile657Thr (NM_001350414.2); c.2093T>C, p.Ile698Thr (NM_001350415.2); c.2042T>C, p.Ile681Thr (NM_001350416.2); c.2015T>C, p.Ile672Thr (NM_001350418.2); c.2123T>C, p.Ile708Thr (NM_001350420.2); c.1868T>C, p.Ile623Thr (NM_001350421.2); c.1784T>C, p.Ile595Thr (NM_001350423.2, NM_001350444.2); and 51 more; short protein forms I1350T, I514T, I539T, I565T, I566T, I576T, I581T, I589T.
Identifiers: ClinVar variation 1018955 (VCV001018955.6), dbSNP rs2095617894, ClinGen allele CA364691082.
Genomic context (GRCh38, chr6:72,313,591, plus strand): 5'-GAAGCTGTGATAACGTCTCTGCCAAATCATCAGATAGTGATGTCAGTGATGTTTCCGCCA[T>C]TTCCCGAACCAGCAGTGCCTCACGCCTCAGCAGCACAAGCTTTATGTCAGAGCAATCTGA-3'
Protein context (NP_055804.2, residues 1340-1360): SDSDVSDVSA[Ile1350Thr]SRTSSASRLS

ClinVar aggregate classification (germline): Uncertain significance (1 of 4 stars; one submission).

Allele frequency attached by ClinVar (database versions not stated): gnomAD 0.00001.
gnomAD v4.1: 4 of 1,613,714 alleles (0.00025%); highest among the groups gnomAD compares: East Asian, 0.0022%; no homozygotes.

Submission:

Labcorp Genetics (formerly Invitae), Labcorp
Classification: Uncertain significance. Last evaluated: 2022-09-01. Review status: criteria provided, single submitter. Criteria: Invitae Variant Classification Sherloc (09022015). Collection method: clinical testing. Allele origin: germline.
Comment: In summary, the available evidence is currently insufficient to determine the role of this variant in disease. Therefore, it has been classified as a Variant of Uncertain Significance. Algorithms developed to predict the effect of missense changes on protein structure and function are either unavailable or do not agree on the potential impact of this missense change (SIFT: "Deleterious"; PolyPhen-2: "Benign"; Align-GVGD: "Class C25"). ClinVar contains an entry for this variant (Variation ID: 1018955). This missense change has been observed in individual(s) with clinical features of cone-rod dystrophy (Invitae). This variant is not present in population databases (gnomAD no frequency). This sequence change replaces isoleucine, which is neutral and non-polar, with threonine, which is neutral and polar, at codon 1350 of the RIMS1 protein (p.Ile1350Thr).